The following is an entry in ClinVar:

NM_014698.3(TMEM63A):c.1223+3A>G

Gene: TMEM63A (transmembrane protein 63A; minus strand). Cytogenetic location: 1q42.12.
Variant type: single nucleotide variant.
Coding change: c.1223+3A>G on transcript NM_014698.3 (MANE Select); 3 bases into the intron after coding-DNA position 1223, A replaced by G.
Molecular consequence: intron variant.
Genome position (GRCh38, 1-based): chr1:225,860,857, T>C on the plus strand (A>G on the coding strand, the complement: TMEM63A is on the minus strand). VCF-style: chr1-225860857-T-C. GRCh37 (hg19) VCF-style: chr1-226048557-T-C.
Identifiers: ClinVar variation 4535569 (VCV004535569.1).

ClinVar aggregate classification (germline): Uncertain significance (1 of 4 stars; one submission).

gnomAD v4.1: 13 of 1,605,914 alleles (0.00081%); highest among the groups gnomAD compares: Non-Finnish European, 0.0011%; no homozygotes.

Submission:

Women's Health and Genetics/Laboratory Corporation of America, LabCorp
Classification: Uncertain significance. Last evaluated: 2025-09-12. Review status: criteria provided, single submitter. Criteria: LabCorp Variant Classification Summary - May 2015. Collection method: clinical testing. Allele origin: germline.
Comment: Variant summary: TMEM63A c.1223+3A>G alters a conserved nucleotide located close to a canonical splice site and therefore could affect mRNA splicing, leading to a significantly altered protein sequence. Consensus agreement among computation tools predict no significant impact on normal splicing. However, these predictions have yet to be confirmed by functional studies. The variant was absent in 244570 control chromosomes. The available data on variant occurrences in the general population are insufficient to allow any conclusion about variant significance. To our knowledge, no occurrence of c.1223+3A>G in individuals affected with TMEM63A-related conditions and no experimental evidence demonstrating its impact on protein function have been reported. No submitters have cited clinical-significance assessments for this variant to ClinVar. Based on the evidence outlined above, the variant was classified as uncertain significance.